The following is an entry in ClinVar:

ClinVar aggregate classification (germline): Uncertain significance. Review status: criteria provided, multiple submitters, no conflicts (2 of 4 stars). 3 submissions from 3 submitters: Uncertain significance (3). Last evaluated 2025-11-16.

Conditions:
Cardiomyopathy (CMYO). Also called: Cardiomyopathies. Identifiers: Orphanet 167848, MedGen C0878544, MONDO:0004994, HP:0001638. Inheritance: Various modes of inheritance.
Familial isolated arrhythmogenic right ventricular dysplasia. Identifiers: Orphanet 217656, MedGen C4274968, MONDO:0016342.
Arrhythmogenic right ventricular dysplasia 11. Also called: ARRHYTHMOGENIC RIGHT VENTRICULAR DYSPLASIA, FAMILIAL, 11; Arrhythmogenic Right Ventricular Dysplasia/Cardiomyopathy11; Arrhythmogenic right ventricular dysplasia 11 with mild palmoplantar keratoderma and woolly hair. Identifiers: MedGen C1864850, MONDO:0012506, OMIM 610476.

Allele frequency attached by ClinVar (database versions not stated): ExAC 0.00001; gnomAD exomes 0.00001.
gnomAD v4.1: 3 of 1,613,552 alleles (0.00019%); highest among the groups gnomAD compares: Admixed American, 0.005%; no homozygotes.

Submissions (3):

Labcorp Genetics (formerly Invitae), Labcorp
Classification: Uncertain significance for Arrhythmogenic right ventricular dysplasia 11. Last evaluated: 2025-11-16. Review status: criteria provided, single submitter. Criteria: Invitae Variant Classification Sherloc (09022015). Collection method: clinical testing. Allele origin: germline.
Comment: This sequence change replaces glutamic acid, which is acidic and polar, with aspartic acid, which is acidic and polar, at codon 365 of the DSC2 protein (p.Glu365Asp). This variant is present in population databases (rs763335007, gnomAD 0.006%). This variant has not been reported in the literature in individuals affected with DSC2-related conditions. ClinVar contains an entry for this variant (Variation ID: 2890594). Invitae Evidence Modeling of protein sequence and biophysical properties (such as structural, functional, and spatial information, amino acid conservation, physicochemical variation, residue mobility, and thermodynamic stability) has been performed for this missense variant. However, the output from this modeling did not meet the statistical confidence thresholds required to predict the impact of this variant on DSC2 protein function. In summary, the available evidence is currently insufficient to determine the role of this variant in disease. Therefore, it has been classified as a Variant of Uncertain Significance.

Color Diagnostics, LLC DBA Color Health
Classification: Uncertain significance for Cardiomyopathy. Last evaluated: 2025-08-10. Review status: criteria provided, single submitter. Criteria: ACMG Guidelines, 2015. Collection method: clinical testing. Allele origin: germline.
Comment: This missense variant replaces glutamic acid with aspartic acid at codon 365 of the DSC2 protein. Computational prediction suggests that this variant may not impact protein structure and function. To our knowledge, functional studies have not been reported for this variant. This variant has not been reported in individuals affected with DSC2-related disorders in the literature. This variant has been identified in 2/250704 chromosomes in the general population by the Genome Aggregation Database (gnomAD). The available evidence is insufficient to determine the role of this variant in disease conclusively. Therefore, this variant is classified as a Variant of Uncertain Significance.

All of Us Research Program, National Institutes of Health
Classification: Uncertain significance for Familial isolated arrhythmogenic right ventricular dysplasia. Last evaluated: 2023-11-30. Review status: criteria provided, single submitter. Criteria: ACMG Guidelines, 2015. Collection method: clinical testing. Allele origin: germline. Inheritance: Autosomal dominant inheritance. Observed: 1 variant allele, 1 heterozygote.
Comment: This study involves interpretation of variants in research participants for the purpose of population health screening. Participant phenotype was not available at the time of variant classification. Additional details can be found in publication PMID: 35346344, PMCID: PMC8962531

NM_024422.6(DSC2):c.1095A>T (p.Glu365Asp)

Gene: DSC2 (desmocollin 2; minus strand). Cytogenetic location: 18q12.1.
Variant type: single nucleotide variant.
Coding change: c.1095A>T on transcript NM_024422.6 (MANE Select); coding-DNA position 1095, A replaced by T.
Protein change: p.Glu365Asp; replaces glutamic acid 365 with aspartic acid.
Molecular consequence: missense variant.
Genome position (GRCh38, 1-based): chr18:31,082,406, T>A on the plus strand (A>T on the coding strand, the complement: DSC2 is on the minus strand). VCF-style: chr18-31082406-T-A. GRCh37 (hg19) VCF-style: chr18-28662372-T-A.
Other names: c.666A>T, p.Glu222Asp (NM_001406506.1, NM_001406507.1); c.1095A>T, p.Glu365Asp (NM_004949.5); short protein forms E365D, E222D.
Identifiers: ClinVar variation 2890594 (VCV002890594.4), dbSNP rs763335007, ClinGen allele CA029808.
Genomic context (GRCh38, chr18:31,082,406, plus strand): 5'-ATTCACTAAGTCCTTATCCTCAACAGTAACTCGTAAGATTTCCACATCAACTGTATTTTC[T>A]TCCACTGATGTCACATACTAAAATAATAAAAGCAAACAAAAAATTTCGTTAGTAACTCTC-3'
Protein context (NP_077740.1, residues 355-375): FTRTSYVTSV[Glu365Asp]ENTVDVEILR